The following is an entry in ClinVar:

NM_000528.4(MAN2B1):c.440del (p.Arg147fs)

Gene: MAN2B1 (mannosidase alpha class 2B member 1; minus strand). Cytogenetic location: 19p13.13.
Variant type: Deletion.
Coding change: c.440del on transcript NM_000528.4 (MANE Select); coding-DNA position 440, one base deleted (G; older notation c.440delG).
Protein change: p.Arg147fs; shifts the reading frame from arginine 147.
Molecular consequence: frameshift variant.
Genome position (GRCh38, 1-based): chr19:12,664,982, C deleted on the plus strand (G on the coding strand, the reverse complement: MAN2B1 is on the minus strand). VCF-style (leftmost placement, unchanged base first): chr19-12664981-GC-G. GRCh37 (hg19) VCF-style: chr19-12775795-GC-G.
Other names: c.440del, p.Arg147fs (NM_001173498.2); short protein forms R147fs.
Identifiers: ClinVar variation 1726084 (VCV001726084.2), dbSNP rs2512515046, ClinGen allele CA2580096474.
Genomic context (GRCh38, chr19:12,664,981, plus strand): 5'-GGCACCGTAGTGGGTGGCTGCCTCATCGTTCATCACCCAGCCACCATTGGCGAACTCCAG[GC>G]GCCCTGTGCCAGGACAGGCAAGGTCAGGGTCAGCGGTCAGAGCCAGGAGTGGGAGTAGGG-3'

ClinVar aggregate classification (germline): Likely pathogenic (1 of 4 stars; one submission).

Conditions:
Deficiency of alpha-mannosidase (MANSA). Also called: Mannosidosis, alpha-, types I and II; LYSOSOMAL ALPHA-D-MANNOSIDASE DEFICIENCY; Alpha-Mannosidosis. Identifiers: Orphanet 61, MedGen C0024748, MONDO:0009561, OMIM 248500.

Submission:

Myriad Genetics, Inc.
Classification: Likely pathogenic for Deficiency of alpha-mannosidase. Last evaluated: 2022-05-18. Review status: criteria provided, single submitter. Criteria: Myriad Women's Health Autosomal Recessive and X-Linked Classification Criteria (2021). Collection method: clinical testing. Allele origin: unknown.
Comment: NM_000528.3(MAN2B1):c.440delG(R147Pfs*10) is expected to be pathogenic in the context of alpha-mannosidosis. This variant is predicted to lead to an abnormal or absent protein product due to the creation of a premature termination codon in MAN2B1, a gene where loss-of-function variants are known to be pathogenic. Please note: this variant was assessed in the context of healthy population screening.